The following is an entry in ClinVar:

ClinVar aggregate classification (germline): Uncertain significance (1 of 4 stars; one submission).

Conditions:
Glanzmann thrombasthenia 2. Also called: BLEEDING DISORDER, PLATELET-TYPE, 23. Identifiers: MedGen C5543273, MONDO:0031009, OMIM 619267.

gnomAD v4.1: 3 of 1,614,072 alleles (0.00019%); highest among the groups gnomAD compares: Non-Finnish European, 0.00017%; no homozygotes.

Submission:

ISTH-SSC Genomics in Thrombosis and Hemostasis, KU Leuven, Center for Molecular and Vascular Biology
Classification: Uncertain significance for Glanzmann thrombasthenia 2. Review status: criteria provided, single submitter. Criteria: ACMG Guidelines, 2015. Collection method: clinical testing. Allele origin: germline. Affected: yes. Observed: 1 heterozygote.
Comment: Submitted to GoldVariant by Kathleen Freson, Center for Molecular and Vascular Biology, Leuven, Belgium

NM_000212.3(ITGB3):c.1975C>T (p.Arg659Cys)

Gene: ITGB3 (integrin subunit beta 3; plus strand). Cytogenetic location: 17q21.32.
Variant type: single nucleotide variant.
Coding change: c.1975C>T on transcript NM_000212.3 (MANE Select); coding-DNA position 1975, C replaced by T.
Protein change: p.Arg659Cys; replaces arginine 659 with cysteine.
Molecular consequence: missense variant.
Genome position (GRCh38, 1-based): chr17:47,300,539, C>T. VCF-style: chr17-47300539-C-T. GRCh37 (hg19) VCF-style: chr17-45377905-C-T.
Other names: short protein forms R659C.
Identifiers: ClinVar variation 1703872 (VCV001703872.1), dbSNP rs928021640, ClinGen allele CA291227826.
Genomic context (GRCh38, chr17:47,300,539, plus strand): 5'-GAATGTGTGGAGTGTAAGAAGTTTGACCGGGGAGCCCTACATGACGAAAATACCTGCAAC[C>T]GTTACTGCCGTGACGAGATTGAGTCAGTGAAAGAGCTTAGTAAGTTCAGCACATCTTAGA-3'
Protein context (NP_000203.2, residues 649-669): GALHDENTCN[Arg659Cys]YCRDEIESVK